The following is an entry in ClinVar:

NM_001184.4(ATR):c.678A>C (p.Glu226Asp)

Gene: ATR (ATR checkpoint kinase; minus strand). Cytogenetic location: 3q23.
Variant type: single nucleotide variant.
Coding change: c.678A>C on transcript NM_001184.4 (MANE Select); coding-DNA position 678, A replaced by C.
Protein change: p.Glu226Asp; replaces glutamic acid 226 with aspartic acid.
Molecular consequence: missense variant.
Genome position (GRCh38, 1-based): chr3:142,562,724, T>G on the plus strand (A>C on the coding strand, the complement: ATR is on the minus strand). VCF-style: chr3-142562724-T-G. GRCh37 (hg19) VCF-style: chr3-142281566-T-G.
Other names: c.678A>C, p.Glu226Asp (NM_001354579.2); short protein forms E226D.
Identifiers: ClinVar variation 2453572 (VCV002453572.2), dbSNP rs2108487964, ClinGen allele CA354826037.

ClinVar aggregate classification (germline): Uncertain significance (1 of 4 stars; one submission).

Conditions:
Inborn genetic diseases. Identifiers: MedGen C0950123, MeSH D030342.

Submission:

Ambry Genetics
Classification: Uncertain significance for Inborn genetic diseases. Last evaluated: 2023-01-18. Review status: criteria provided, single submitter. Criteria: Ambry Variant Classification Scheme 2023. Collection method: clinical testing. Allele origin: germline.
Comment: The p.E226D variant (also known as c.678A>C), located in coding exon 4 of the ATR gene, results from an A to C substitution at nucleotide position 678. The glutamic acid at codon 226 is replaced by aspartic acid, an amino acid with highly similar properties. This amino acid position is conserved. In addition, this alteration is predicted to be tolerated by in silico analysis. Since supporting evidence is limited at this time, the clinical significance of this alteration remains unclear.